The following is an entry in ClinVar:

ClinVar aggregate classification (germline): Pathogenic/Likely pathogenic. Review status: criteria provided, multiple submitters, no conflicts (2 of 4 stars). 4 submissions from 4 submitters: Pathogenic (2); Likely pathogenic (2). Last evaluated 2026-09-08.

Conditions:
Fabry disease. Also called: Fabry's disease; ALPHA-GALACTOSIDASE A DEFICIENCY; ANDERSON-FABRY DISEASE; CERAMIDE TRIHEXOSIDASE DEFICIENCY; GLA DEFICIENCY; HEREDITARY DYSTOPIC LIPIDOSIS. Identifiers: Orphanet 324, MedGen C0002986, MONDO:0010526, OMIM 301500, HP:0001071. Disease mechanism: Fabry disease is due to inactivating mutations in the X-linked GLA gene resulting in deficiency of the enzyme Alpha Galactosidase-A., loss of function.

Submissions (4):

Genomenon, Inc
Classification: Pathogenic for Fabry disease. Last evaluated: 2026-09-08. Review status: criteria provided, single submitter. Criteria: Genomenon Sequence Variant Interpretation Standards - Updated. Collection method: curation. Allele origin: germline. Affected: yes.
Comment: GLA p.Pro389Ala (c.1165C>G) is a missense variant that changes the amino acid at codon 389 from Proline to Alanine. This variant has been observed in at least one proband with clinical features consistent with Fabry disease (PMID:26563328;33016649). The variant was found to segregate with disease in at least one affected family (PMID:26563328). At least one functional study has demonstrated a substantial alteration in protein function relative to the wild-type (PMID:27657681). It is absent or not present at a significant frequency in gnomAD. In silico models predict that this variant is possibly or probably damaging. In conclusion, we classify GLA p.Pro389Ala (c.1165C>G) as a pathogenic variant.

Labcorp Genetics (formerly Invitae), Labcorp
Classification: Pathogenic for Fabry disease. Last evaluated: 2025-01-20. Review status: criteria provided, single submitter. Criteria: Invitae Variant Classification Sherloc (09022015). Collection method: clinical testing. Allele origin: germline.
Comment: This sequence change replaces proline, which is neutral and non-polar, with alanine, which is neutral and non-polar, at codon 389 of the GLA protein (p.Pro389Ala). This variant is not present in population databases (gnomAD no frequency). This missense change has been observed in individual(s) with Fabry disease (PMID: 26563328, 33016649). It has also been observed to segregate with disease in related individuals. ClinVar contains an entry for this variant (Variation ID: 3074904). Invitae Evidence Modeling of protein sequence and biophysical properties (such as structural, functional, and spatial information, amino acid conservation, physicochemical variation, residue mobility, and thermodynamic stability) indicates that this missense variant is not expected to disrupt GLA protein function with a negative predictive value of 80%. Experimental studies have shown that this missense change affects GLA function (PMID: 27657681). For these reasons, this variant has been classified as Pathogenic.

All of Us Research Program, National Institutes of Health
Classification: Likely pathogenic for Fabry disease. Last evaluated: 2024-07-10. Review status: criteria provided, single submitter. Criteria: ACMG Guidelines, 2015. Collection method: clinical testing. Allele origin: germline. Inheritance: X-linked inheritance. Observed: 2 variant alleles, 2 heterozygotes.
Comment: This missense variant replaces proline with alanine at codon 389 of the GLA protein. Computational prediction suggests that this variant may have a deleterious impact on protein structure and function (internally defined REVEL score threshold >= 0.7, PMID: 27666373). In vitro functional studies using transfected HEK-293 cells have shown that this variant causes a significant reduction in alpha-galactosidase A enzyme activity (PMID: 27657681). This variant has been reported in multiple individuals affected with non-classical Fabry disease (PMID: 25395255, 25677671, 27979989, 29437868, 32843101, 33016649). This variant has also been reported in an individual affected with hypertrophic cardiomyopathy (PMID: 33495597). This variant has not been identified in the general population by the Genome Aggregation Database (gnomAD). Based on the available evidence, this variant is classified as Likely Pathogenic.

This study involves interpretation of variants in research participants for the purpose of population health screening. Participant phenotype was not available at the time of variant classification. Additional details can be found in publication PMID: 35346344, PMCID: PMC8962531

Color Diagnostics, LLC DBA Color Health
Classification: Likely pathogenic for Fabry disease. Last evaluated: 2024-04-23. Review status: criteria provided, single submitter. Criteria: ACMG Guidelines, 2015. Collection method: clinical testing. Allele origin: germline.
Comment: This missense variant replaces proline with alanine at codon 389 of the GLA protein. Computational prediction tools indicate that this variant has a deleterious impact on protein structure and function. In vitro functional studies using transfected HEK-293 cells have shown that this variant causes a significant reduction in alpha-galactosidase A enzyme activity (PMID: 27657681). This variant has been reported in multiple individuals, both male and female, affected with non-classical Fabry disease (PMID: 25395255, 25677671, 27979989, 29437868, 32843101, 33016649). This variant has also been reported in one individual affected with hypertrophic cardiomyopathy (PMID: 33495597). This variant has not been identified in the general population by the Genome Aggregation Database (gnomAD). Based on the available evidence, this variant is classified as Likely Pathogenic.

Literature cited by the submitters: PubMed 26563328 (cited by Genomenon, Inc and Labcorp Genetics (formerly Invitae), Labcorp); PubMed 33016649 (cited by 4 submitters); PubMed 27657681 (cited by 4 submitters); PubMed 25395255 (cited by All of Us Research Program, National Institutes of Health and Color Diagnostics, LLC DBA Color Health); PubMed 25677671 (cited by All of Us Research Program, National Institutes of Health and Color Diagnostics, LLC DBA Color Health); PubMed 27979989 (cited by All of Us Research Program, National Institutes of Health and Color Diagnostics, LLC DBA Color Health); PubMed 29437868 (cited by All of Us Research Program, National Institutes of Health and Color Diagnostics, LLC DBA Color Health); PubMed 32843101 (cited by All of Us Research Program, National Institutes of Health and Color Diagnostics, LLC DBA Color Health); PubMed 33495597 (cited by All of Us Research Program, National Institutes of Health and Color Diagnostics, LLC DBA Color Health).

NM_000169.3(GLA):c.1165C>G (p.Pro389Ala)

Genes: GLA (galactosidase alpha; minus strand), RPL36A-HNRNPH2 (RPL36A-HNRNPH2 readthrough; plus strand). Cytogenetic location: Xq22.1.
Variant type: single nucleotide variant.
Coding change: c.1165C>G on transcript NM_000169.3 (MANE Select); coding-DNA position 1165, C replaced by G.
Protein change: p.Pro389Ala; replaces proline 389 with alanine.
Molecular consequence: missense variant. On other transcripts: non-coding transcript variant (3), intron variant (2).
Genome position (GRCh38, 1-based): chrX:101,397,934, G>C on the plus strand (C>G on the coding strand, the complement: GLA is on the minus strand). VCF-style: chrX-101397934-G-C. GRCh37 (hg19) VCF-style: chrX-100652922-G-C.
Other names: c.1288C>G, p.Pro430Ala (NM_001406747.1); c.300+2477G>C (NM_001199973.2); c.177+6112G>C (NM_001199974.2); short protein forms P389A, P430A.
Identifiers: ClinVar variation 3074904 (VCV003074904.7), dbSNP rs2520850302, ClinGen allele CA413919986.